The following is an entry in ClinVar:

ClinVar aggregate classification (germline): Uncertain significance. Review status: criteria provided, multiple submitters, no conflicts (2 of 4 stars). 2 submissions from 2 submitters: Uncertain significance (2). Last evaluated 2025-10-11.

Conditions:
Menkes kinky-hair syndrome (MNK). Also called: Menkes Disease; Copper transport disease; Classic Menkes Disease. Identifiers: Orphanet 565, MedGen C0022716, MONDO:0010651, OMIM 309400.
Cutis laxa, X-linked (OHS). Also called: EDS IX; Occipital horn syndrome. Identifiers: Orphanet 198, MedGen C0268353, MONDO:0010572, OMIM 304150.
X-linked distal spinal muscular atrophy type 3. Also called: SPINAL MUSCULAR ATROPHY, DISTAL, X-LINKED RECESSIVE; NEURONOPATHY, DISTAL HEREDITARY MOTOR, X-LINKED; NEUROPATHY, DISTAL HEREDITARY MOTOR, X-LINKED; ATP7A-Related Distal Motor Neuropathy. Identifiers: Orphanet 139557, MedGen C1845359, MONDO:0010338, OMIM 300489.

Allele frequency attached by ClinVar (database versions not stated): gnomAD exomes below 0.00001 and 0.00001; TOPMed 0.00001.
gnomAD v4.1: 4 of 1,206,133 alleles (0.00033%); highest among the groups gnomAD compares: East Asian, 0.003%; no homozygotes.

Submissions (2):

Labcorp Genetics (formerly Invitae), Labcorp
Classification: Uncertain significance for X-linked distal spinal muscular atrophy type 3; Cutis laxa, X-linked; Menkes kinky-hair syndrome. Last evaluated: 2025-10-11. Review status: criteria provided, single submitter. Criteria: Invitae Variant Classification Sherloc (09022015). Collection method: clinical testing. Allele origin: germline.
Comment: This sequence change falls in intron 18 of the ATP7A gene. It does not directly change the encoded amino acid sequence of the ATP7A protein. This variant is present in population databases (rs797045381, gnomAD 0.008%). This variant has not been reported in the literature in individuals affected with ATP7A-related conditions. ClinVar contains an entry for this variant (Variation ID: 210457). Algorithms developed to predict the effect of sequence changes on RNA splicing suggest that this variant may disrupt the consensus splice site. In summary, the available evidence is currently insufficient to determine the role of this variant in disease. Therefore, it has been classified as a Variant of Uncertain Significance.

Genetic Services Laboratory, University of Chicago
Classification: Uncertain significance. Last evaluated: 2013-02-08. Review status: criteria provided, single submitter. Criteria: ACMG Guidelines, 2007. Collection method: clinical testing. Allele origin: germline.

NM_000052.7(ATP7A):c.3658+13A>G

Gene: ATP7A (ATPase copper transporting alpha; plus strand). Cytogenetic location: Xq21.1.
Variant type: single nucleotide variant.
Coding change: c.3658+13A>G on transcript NM_000052.7 (MANE Select); 13 bases into the intron after coding-DNA position 3658, A replaced by G.
Molecular consequence: intron variant.
Genome position (GRCh38, 1-based): chrX:78,038,995, A>G. VCF-style: chrX-78038995-A-G. GRCh37 (hg19) VCF-style: chrX-77294493-A-G.
Other names: c.3424+13A>G (NM_001282224.2).
Identifiers: ClinVar variation 210457 (VCV000210457.8), dbSNP rs797045381, ClinGen allele CA206089.